The following is an entry in ClinVar:

NM_000388.4(CASR):c.2540G>A (p.Gly847Asp)

Gene: CASR (calcium sensing receptor; plus strand). Cytogenetic location: 3q21.1.
Variant type: single nucleotide variant.
Coding change: c.2540G>A on transcript NM_000388.4 (MANE Select); coding-DNA position 2540, G replaced by A.
Protein change: p.Gly847Asp; replaces glycine 847 with aspartic acid.
Molecular consequence: missense variant.
Genome position (GRCh38, 1-based): chr3:122,284,494, G>A. VCF-style: chr3-122284494-G-A. GRCh37 (hg19) VCF-style: chr3-122003341-G-A.
Other names: c.2570G>A, p.Gly857Asp (NM_001178065.2); short protein forms G847D, G857D.
Identifiers: ClinVar variation 420662 (VCV000420662.4), dbSNP rs1064794621, ClinGen allele CA16617819.

ClinVar aggregate classification (germline): Conflicting classifications of pathogenicity. Review status: criteria provided, conflicting classifications (1 of 4 stars). 3 submissions from 3 submitters: Likely pathogenic (1); Uncertain significance (2). Last evaluated 2024-09-08.

Conditions:
CASR-related disorder. Also called: CASR-related condition.
Hypercalcemia. Also called: hypercalcaemia. Identifiers: MedGen C0020437, MONDO:0001566, HP:0003072.

Submissions (3):

Molecular Genetics, Royal Melbourne Hospital
Classification: Uncertain significance for Hypercalcemia. Last evaluated: 2024-09-08. Review status: criteria provided, single submitter. Criteria: ACMG Guidelines, 2015. Collection method: clinical testing. Allele origin: germline. Inheritance: Autosomal dominant inheritance. Affected: yes.
Comment: This sequence change in CASR is predicted to replace glycine with aspartic acid at codon 847, p.(Gly847Asp). The glycine residue is highly conserved (100 vertebrates, Multiz Alignments), and is located in the transmembrane region. There is a moderate physicochemical difference between glycine and aspartic acid. CASR, in which the variant was identified, is a gene significantly constrained for missense variation and where pathogenic missense variants are a common mechanism of disease (gnomADv4.1). This variant is absent from the population database gnomAD v4.1. This variant has been reported in at least three unrelated individuals with hypercalcaemia (GeneDx, Liverpool Hospital Genetics, this individual). Computational evidence predicts a deleterious effect for the missense substitution (REVEL = 0.868) and predicts no impact on splicing (SpliceAI) for the nucleotide change. Based on the classification scheme RMH Modified ACMG/AMP Guidelines v1.7.0, this variant is classified as a VARIANT OF UNCERTAIN SIGNIFICANCE. Following criteria are met: PM2_Supporting, PP2, PP3, PS4_Supporting

Blueprint Genetics
Classification: Likely pathogenic for CASR-related disorders. Last evaluated: 2020-04-06. Review status: criteria provided, single submitter. Criteria: ACMG Guidelines, 2015. Collection method: clinical testing. Allele origin: germline. Affected: yes. Observed: 5 variant alleles.

GeneDx
Classification: Uncertain significance. Last evaluated: 2016-03-09. Review status: criteria provided, single submitter. Criteria: GeneDx Variant Classification (06012015). Collection method: clinical testing. Allele origin: germline. Affected: yes.
Comment: A variant of uncertain significance has been identified in the CASR gene. The G847D variant has not been published as a pathogenic variant, nor has it been reported as a benign variant to our knowledge. The variant was not observed in approximately 6,500 individuals of European and African American ancestry in the NHLBI Exome Sequencing Project, indicating it is not a common benign variant in these populations. G847D is a non-conservative amino acid substitution, which is likely to impact secondary protein structure as these residues differ in polarity, charge, size and/or other properties. This substitution occurs at a position that is conserved across species, and in silico analysis predicts this variant is probably damaging to the protein structure/function. Missense variants in nearby residues (A843E, A844T/P, S845N, L849P) have been reported in the Human Gene Mutation Database in association with CASR-related disorders (Stenson et al., 2014), supporting the functional importance of this region of the protein. However, in the absence of functional studies or other reported patients who harbor this variant, it is difficult to determine the actual effect this missense change will have on the protein. Therefore, based on the currently available information, it is unclear whether this variant is a pathogenic variant or a rare benign variant.